The following is an entry in ClinVar:

ClinVar aggregate classification (germline): Conflicting classifications of pathogenicity. Review status: criteria provided, conflicting classifications (1 of 4 stars). 2 submissions from 2 submitters: Uncertain significance (1); Likely benign (1). Last evaluated 2026-02-25.

Allele frequency attached by ClinVar (database versions not stated): gnomAD 0.00003 and 0.00004; gnomAD exomes 0.00004 and 0.00006; TOPMed 0.00005; ExAC 0.00006.
gnomAD v4.1: 71 of 1,612,848 alleles (0.0044%); highest among the groups gnomAD compares: Non-Finnish European, 0.0031%; no homozygotes.

Submissions (2):

GeneDx
Classification: Uncertain significance. Last evaluated: 2026-02-25. Review status: criteria provided, single submitter. Criteria: GeneDx Variant Classification Process June 2021. Collection method: clinical testing. Allele origin: germline.
Comment: In silico analysis suggests that this missense variant does not alter protein structure/function; Has not been previously published as pathogenic or benign to our knowledge

Labcorp Genetics (formerly Invitae), Labcorp
Classification: Likely benign. Last evaluated: 2023-02-24. Review status: criteria provided, single submitter. Criteria: Invitae Variant Classification Sherloc (09022015). Collection method: clinical testing. Allele origin: germline.

NM_033109.5(PNPT1):c.745G>A (p.Val249Met)

Gene: PNPT1 (polyribonucleotide nucleotidyltransferase 1; minus strand). Cytogenetic location: 2p16.1.
Variant type: single nucleotide variant.
Coding change: c.745G>A on transcript NM_033109.5 (MANE Select); coding-DNA position 745, G replaced by A.
Protein change: p.Val249Met; replaces valine 249 with methionine.
Molecular consequence: missense variant.
Genome position (GRCh38, 1-based): chr2:55,673,014, C>T on the plus strand (G>A on the coding strand, the complement: PNPT1 is on the minus strand). VCF-style: chr2-55673014-C-T. GRCh37 (hg19) VCF-style: chr2-55900149-C-T.
Other names: short protein forms V249M.
Identifiers: ClinVar variation 1339929 (VCV001339929.12), dbSNP rs774197508, ClinGen allele CA1668354.